The following is an entry in ClinVar:

ClinVar aggregate classification (germline): Uncertain significance. Review status: criteria provided, multiple submitters, no conflicts (2 of 4 stars). 2 submissions from 2 submitters: Uncertain significance (2). Last evaluated 2025-12-08.

Conditions:
Neurofibromatosis, type 1 (NF1). Also called: Peripheral type neurofibromatosis; NEUROFIBROMATOSIS, TYPE I, SOMATIC; VON RECKLINGHAUSEN DISEASE; Neurofibromatosis, type I. Identifiers: Orphanet 636, MedGen C0027831, MONDO:0018975, OMIM 162200. Disease mechanism: loss of function.

Submissions (2):

Institute of Human Genetics, University of Leipzig Medical Center
Classification: Uncertain significance for Neurofibromatosis, type 1. Last evaluated: 2025-12-08. Review status: criteria provided, single submitter. Criteria: ACMG Guidelines, 2015. Collection method: clinical testing. Allele origin: unknown. Inheritance: Autosomal dominant inheritance. Affected: yes.
Comment: Criteria applied: PM2,PM5,BP4

Labcorp Genetics (formerly Invitae), Labcorp
Classification: Uncertain significance for Neurofibromatosis, type 1. Last evaluated: 2023-08-07. Review status: criteria provided, single submitter. Criteria: Invitae Variant Classification Sherloc (09022015). Collection method: clinical testing. Allele origin: germline.
Comment: In summary, the available evidence is currently insufficient to determine the role of this variant in disease. Therefore, it has been classified as a Variant of Uncertain Significance. Advanced modeling of protein sequence and biophysical properties (such as structural, functional, and spatial information, amino acid conservation, physicochemical variation, residue mobility, and thermodynamic stability) performed at Invitae indicates that this missense variant is not expected to disrupt NF1 protein function. This variant has not been reported in the literature in individuals affected with NF1-related conditions. This variant is not present in population databases (gnomAD no frequency). This sequence change replaces glycine, which is neutral and non-polar, with alanine, which is neutral and non-polar, at codon 629 of the NF1 protein (p.Gly629Ala).

NM_001042492.3(NF1):c.1886G>C (p.Gly629Ala)

Gene: NF1 (neurofibromin 1; plus strand). Cytogenetic location: 17q11.2.
Variant type: single nucleotide variant.
Coding change: c.1886G>C on transcript NM_001042492.3 (MANE Select); coding-DNA position 1886, G replaced by C.
Protein change: p.Gly629Ala; replaces glycine 629 with alanine.
Molecular consequence: missense variant.
Genome position (GRCh38, 1-based): chr17:31,225,135, G>C. VCF-style: chr17-31225135-G-C. GRCh37 (hg19) VCF-style: chr17-29552153-G-C.
Other names: c.1886G>C, p.Gly629Ala (NM_000267.4); short protein forms G629A.
Identifiers: ClinVar variation 2750819 (VCV002750819.4), dbSNP rs1597710440, ClinGen allele CA399005180.
Genomic context (GRCh38, chr17:31,225,135, plus strand): 5'-ATTTATTTATTTTTTTCTAGCAGGCAGATAGAAGTTCCTGTCACTTTCTCCTTTTTTACG[G>C]GGTAGGATGTGATATTCCTTCTAGTGGAAATACCAGTCAAATGTCCATGGATCATGAAGA-3'
Protein context (NP_001035957.1, residues 619-639): RSSCHFLLFY[Gly629Ala]VGCDIPSSGN